The following is an entry in ClinVar:

NM_001267550.2(TTN):c.76566A>T (p.Ile25522=)

Genes: TTN (titin; minus strand), TTN-AS1 (TTN antisense RNA 1; plus strand). Cytogenetic location: 2q31.2.
Variant type: single nucleotide variant.
Coding change: c.76566A>T on transcript NM_001267550.2 (MANE Select); coding-DNA position 76566, A replaced by T.
Protein change: p.Ile25522=; no amino-acid change (isoleucine 25522 retained).
Molecular consequence: synonymous variant.
Genome position (GRCh38, 1-based): chr2:178,569,566, T>A on the plus strand (A>T on the coding strand, the complement: TTN is on the minus strand). VCF-style: chr2-178569566-T-A. GRCh37 (hg19) VCF-style: chr2-179434293-T-A.
Other names: p.Ile23881=; c.71643A>T, p.Ile23881= (NM_001256850.1); c.49371A>T, p.Ile16457= (NM_003319.4); c.68862A>T, p.Ile22954= (NM_133378.4); c.49746A>T, p.Ile16582= (NM_133432.3); c.49947A>T, p.Ile16649= (NM_133437.4).
Identifiers: ClinVar variation 467488 (VCV000467488.11), dbSNP rs1390057481, ClinGen allele CA430254271.

ClinVar aggregate classification (germline): Likely benign. Review status: criteria provided, multiple submitters, no conflicts (2 of 4 stars). 3 submissions from 3 submitters: Likely benign (3). Last evaluated 2025-08-27.

Conditions:
Autosomal recessive limb-girdle muscular dystrophy type 2J (LGMDR10). Also called: MUSCULAR DYSTROPHY, LIMB-GIRDLE, AUTOSOMAL RECESSIVE 10; Limb-girdle muscular dystrophy, type 2J. Identifiers: Orphanet 140922, MedGen C1837342, MONDO:0012127, OMIM 608807.
Dilated cardiomyopathy 1G (CMD1G). Identifiers: Orphanet 154, MedGen C1858763, MONDO:0011400, OMIM 604145.

Allele frequency attached by ClinVar (database versions not stated): TOPMed below 0.00001.

Submissions (3):

Mayo Clinic Laboratories, Mayo Clinic
Classification: Likely benign. Last evaluated: 2025-08-27. Review status: criteria provided, single submitter. Criteria: ACMG Guidelines, 2015. Collection method: clinical testing. Allele origin: germline. Observed: 1 variant allele.
Comment: BP4, BP7, PM2_supporting

Labcorp Genetics (formerly Invitae), Labcorp
Classification: Likely benign for Dilated cardiomyopathy 1G; Autosomal recessive limb-girdle muscular dystrophy type 2J. Last evaluated: 2024-10-13. Review status: criteria provided, single submitter. Criteria: Invitae Variant Classification Sherloc (09022015). Collection method: clinical testing. Allele origin: germline.

Blueprint Genetics
Classification: Likely benign. Last evaluated: 2022-05-30. Review status: criteria provided, single submitter. Criteria: ACMG Guidelines, 2015. Collection method: clinical testing. Allele origin: germline.